The following is an entry in ClinVar:

ClinVar aggregate classification (germline): Uncertain significance (1 of 4 stars; one submission).

Submission:

Women's Health and Genetics/Laboratory Corporation of America, LabCorp
Classification: Uncertain significance. Last evaluated: 2023-08-04. Review status: criteria provided, single submitter. Criteria: LabCorp Variant Classification Summary - May 2015. Collection method: clinical testing. Allele origin: germline.
Comment: Variant summary: The variant identified by MLPA or other technology involves the duplication of exons 1-4 in the CYP11B1 gene, a region which includes the initiator codon. The exact breakpoint at the 5' end of this variant is unknown and therefore this duplication might extend upstream of the assayed region of the gene. A presumed nomenclature of c.(?_-8)_(799+1_800-1)dup has been designated for the purposes of this classification. It has been assumed that this is a tandem duplication in direct orientation (Richardson_GIM_2018, Newman_AJHG_2015). Since the exact breakpoints of this duplication are not known, it is not possible to predict the protein level effect of this variant. The variant was absent in 21690 control chromosomes in the gnomAD database (structural variants dataset). The available data on variant occurrences in the general population are insufficient to allow any conclusion about variant significance. To our knowledge, no occurrence of c.(?_-8)_(799+1_800-1)dup in individuals affected with Congenital Adrenal Hyperplasia and no experimental evidence demonstrating its impact on protein function have been reported. No submitters have cited clinical-significance assessments for this variant to ClinVar after 2014. In conclusion, duplication variants including a large DNA segment upstream of the gene (i.e. containing the promoter- and other essential regulatory elements) might result in regular transcription initiation leading to an intact protein product, however shorter tandem duplication variants could result in a frameshift or in-frame duplication change causing disease. In addition, duplications involving the 5' part of the CYP11B1 gene, together with the 3' part of the upstream located CYP11B2 gene, have been reported to result in an in-frame fusion gene product, where the expression of the hybrid transcript is regulated by the promoter of the CYP11B1 gene, resulting in glucocorticoid-remediable aldosteronism (GRA) disease phenotype (see e.g. PMIDs 1731223, 1518866, 20808686, 1472060). Since it is not possible to distinguish between these outcomes in the context of this evaluation, the variant was classified as uncertain significance.

NC_000008.10:g.(143957812_143958097)_(143961237_?)dup

Gene: CYP11B1 (cytochrome P450 family 11 subfamily B member 1; minus strand). Cytogenetic location: 8q24.3.
Variant type: Duplication.
Identifiers: ClinVar variation 2581483 (VCV002581483.1).